The following is an entry in ClinVar:

NM_014334.4(FRRS1L):c.830G>A (p.Cys277Tyr)

Gene: FRRS1L (ferric chelate reductase 1 like; minus strand). Cytogenetic location: 9q31.3.
Variant type: single nucleotide variant.
Coding change: c.830G>A on transcript NM_014334.4 (MANE Select); coding-DNA position 830, G replaced by A.
Protein change: p.Cys277Tyr; replaces cysteine 277 with tyrosine.
Molecular consequence: missense variant.
Genome position (GRCh38, 1-based): chr9:109,137,507, C>T on the plus strand (G>A on the coding strand, the complement: FRRS1L is on the minus strand). VCF-style: chr9-109137507-C-T. GRCh37 (hg19) VCF-style: chr9-111899787-C-T.
Other names: c.983G>A (NM_014334.2); short protein forms C277Y.
Identifiers: ClinVar variation 1498294 (VCV001498294.7), dbSNP rs1277956295, ClinGen allele CA374422828.
Genomic context (GRCh38, chr9:109,137,507, plus strand): 5'-AGCTGTGGTTAGGGGGTTCCCATCAATAGGTAGAAGGTCAGAGCAACAATCAGAAGCAAA[C>T]AAAATGGAGATGAGAAGGTTTGATAGGCAGCTGATGGCATAAAAATGTCTTCATACTTGT-3'
Protein context (NP_055149.3, residues 267-287): AAYQTFSSPF[Cys277Tyr]LLLIVALTFY

ClinVar aggregate classification (germline): Uncertain significance. Review status: criteria provided, multiple submitters, no conflicts (2 of 4 stars). 2 submissions from 2 submitters: Uncertain significance (2). Last evaluated 2021-12-03.

Conditions:
Developmental and epileptic encephalopathy, 37 (DEE37). Also called: Epileptic encephalopathy, early infantile, 37. Identifiers: MedGen C4310770, MONDO:0014859, OMIM 616981.
Inborn genetic diseases. Identifiers: MedGen C0950123, MeSH D030342.

Allele frequency attached by ClinVar (database versions not stated): TOPMed below 0.00001; gnomAD 0.00001; gnomAD exomes 0.00001 and 0.00002.

Submissions (2):

Ambry Genetics
Classification: Uncertain significance for Inborn genetic diseases. Last evaluated: 2021-12-03. Review status: criteria provided, single submitter. Criteria: Ambry Variant Classification Scheme 2023. Collection method: clinical testing. Allele origin: germline.

Labcorp Genetics (formerly Invitae), Labcorp
Classification: Uncertain significance for Developmental and epileptic encephalopathy, 37. Last evaluated: 2020-12-17. Review status: criteria provided, single submitter. Criteria: Invitae Variant Classification Sherloc (09022015). Collection method: clinical testing. Allele origin: germline.
Comment: Algorithms developed to predict the effect of missense changes on protein structure and function (SIFT, PolyPhen-2, Align-GVGD) all suggest that this variant is likely to be disruptive, but these predictions have not been confirmed by published functional studies and their clinical significance is uncertain. This variant has not been reported in the literature in individuals with FRRS1L-related conditions. This variant is not present in population databases (ExAC no frequency). This sequence change replaces cysteine with tyrosine at codon 328 of the FRRS1L protein (p.Cys328Tyr). The cysteine residue is highly conserved and there is a large physicochemical difference between cysteine and tyrosine. In summary, the available evidence is currently insufficient to determine the role of this variant in disease. Therefore, it has been classified as a Variant of Uncertain Significance.